The following is an entry in ClinVar:

NM_014324.6(AMACR):c.25G>A (p.Val9Met)

Genes: AMACR (alpha-methylacyl-CoA racemase; minus strand), C1QTNF3-AMACR (C1QTNF3-AMACR readthrough (NMD candidate); minus strand). Cytogenetic location: 5p13.2.
Variant type: single nucleotide variant.
Coding change: c.25G>A on transcript NM_014324.6 (MANE Select); coding-DNA position 25, G replaced by A.
Protein change: p.Val9Met; replaces valine 9 with methionine.
Molecular consequence: missense variant.
Genome position (GRCh38, 1-based): chr5:34,007,995, C>T on the plus strand (G>A on the coding strand, the complement: AMACR is on the minus strand). VCF-style: chr5-34007995-C-T. GRCh37 (hg19) VCF-style: chr5-34008100-C-T.
Other names: c.25G>A, p.Val9Met (NM_001167595.2, NM_203382.3); short protein forms V9M.
Identifiers: ClinVar variation 128356 (VCV000128356.27), dbSNP rs3195676, ClinGen allele CA151758.

ClinVar aggregate classification (germline): Benign/Likely benign. Review status: criteria provided, multiple submitters, no conflicts (2 of 4 stars). 10 submissions from 9 submitters: Benign (7); Likely benign (1). 2 of the submissions do not count toward it. Last evaluated 2026-02-04.

Conditions:
Congenital bile acid synthesis defect 4 (CBAS4). Also called: TRIHYDROXYCOPROSTANIC ACID IN BILE; CHOLESTASIS, INTRAHEPATIC, WITH DEFECTIVE CONVERSION OF TRIHYDROXYCOPROSTANIC ACID TO CHOLIC ACID. Identifiers: Orphanet 79095, MedGen C1858328, MONDO:0008967, OMIM 214950.
Alpha-methylacyl-CoA racemase deficiency (AMACRD). Also called: AMACR deficiency. Identifiers: Orphanet 79095, MedGen C3280428, MONDO:0013681, OMIM 614307. Disease mechanism: loss of function.

Allele frequency attached by ClinVar (database versions not stated): ExAC 0.42270; gnomAD exomes 0.42413 and 0.49104; 1000 Genomes Project 0.28694; 1000 Genomes Project 30x 0.28763; TOPMed 0.40063; gnomAD 0.41082 and 0.42007; ESP Exome Variant Server 0.41759.
gnomAD v4.1: 776,620 of 1,610,698 alleles (48%); highest among the groups gnomAD compares: Non-Finnish European, 53%; 198,943 homozygotes.

Submissions (10):

Labcorp Genetics (formerly Invitae), Labcorp
Classification: Benign for Alpha-methylacyl-CoA racemase deficiency. Last evaluated: 2026-02-04. Review status: criteria provided, single submitter. Criteria: Invitae Variant Classification Sherloc (09022015). Collection method: clinical testing. Allele origin: germline.

Blueprint Genetics
Classification: Likely benign. Last evaluated: 2024-11-27. Review status: criteria provided, single submitter. Criteria: ACMG Guidelines, 2015. Collection method: clinical testing. Allele origin: germline.

Genome-Nilou Lab
Classification: Benign for Alpha-methylacyl-CoA racemase deficiency. Last evaluated: 2021-07-14. Review status: criteria provided, single submitter. Criteria: ACMG Guidelines, 2015. Collection method: clinical testing. Allele origin: germline. Affected: no.

Genome-Nilou Lab
Classification: Benign for Congenital bile acid synthesis defect 4. Last evaluated: 2021-07-14. Review status: criteria provided, single submitter. Criteria: ACMG Guidelines, 2015. Collection method: clinical testing. Allele origin: germline. Affected: no.

Illumina Laboratory Services, Illumina
Classification: Benign for Alpha-methylacyl-CoA racemase deficiency. Last evaluated: 2018-03-06. Review status: criteria provided, single submitter. Criteria: ICSL Variant Classification Criteria 13 December 2019. Collection method: clinical testing. Allele origin: germline.
Comment: This variant was observed in the ICSL laboratory as part of a predisposition screen in an ostensibly healthy population. It had not been previously curated by ICSL or reported in the Human Gene Mutation Database (HGMD: prior to June 1st, 2018), and was therefore a candidate for classification through an automated scoring system. Utilizing variant allele frequency, disease prevalence and penetrance estimates, and inheritance mode, an automated score was calculated to assess if this variant is too frequent to cause the disease. Based on the score and internal cut-off values, a variant classified as benign is not then subjected to further curation. The score for this variant resulted in a classification of benign for this disease.

Eurofins Ntd Llc (ga)
Classification: Benign. Last evaluated: 2017-07-18. Review status: criteria provided, single submitter. Criteria: EGL Classification Definitions 2015. Collection method: clinical testing. Allele origin: germline.

GeneDx
Classification: Benign. Last evaluated: 2016-01-06. Review status: criteria provided, single submitter. Criteria: GeneDx Variant Classification (06012015). Collection method: clinical testing. Allele origin: germline. Affected: yes.
Comment: This variant is considered likely benign or benign based on one or more of the following criteria: it is a conservative change, it occurs at a poorly conserved position in the protein, it is predicted to be benign by multiple in silico algorithms, and/or has population frequency not consistent with disease.

Breakthrough Genomics
Classification: Benign. Review status: criteria provided, single submitter. Criteria: ACMG Guidelines, 2015. Collection method: not provided. Allele origin: germline. Inheritance: Autosomal recessive inheritance. Affected: yes.

Mayo Clinic Laboratories, Mayo Clinic
Classification: Benign. Last evaluated: 2015-10-22. Review status: no assertion criteria provided. Collection method: clinical testing. Allele origin: unknown. Not counted in ClinVar's aggregate classification.

Genetic Services Laboratory, University of Chicago
Classification: Likely benign for AllHighlyPenetrant. Review status: no assertion criteria provided. Collection method: clinical testing. Allele origin: germline. Inheritance: Autosomal recessive inheritance. Not counted in ClinVar's aggregate classification.
Comment: Likely benign based on allele frequency in 1000 Genomes Project or ESP global frequency and its presence in a patient with a rare or unrelated disease phenotype. NOT Sanger confirmed.